The following is an entry in ClinVar:

NM_000782.5(CYP24A1):c.1384_1385del (p.Cys462fs)

Gene: CYP24A1 (cytochrome P450 family 24 subfamily A member 1; minus strand). Cytogenetic location: 20q13.2.
Variant type: Microsatellite.
Coding change: c.1384_1385del on transcript NM_000782.5 (MANE Select); coding-DNA positions 1384 to 1385, 2 bases deleted (TG; older notation c.1384_1385delTG).
Protein change: p.Cys462fs; shifts the reading frame from cysteine 462.
Molecular consequence: frameshift variant. On other transcripts: intron variant (1).
Genome position (GRCh38, 1-based): chr20:54,157,437-54,157,438, CA deleted on the plus strand (TG on the coding strand, the reverse complement: CYP24A1 is on the minus strand); deleting any 2 consecutive bases within chr20:54,157,437-54,157,440 gives the same sequence; the c. name uses the placement nearest the transcript's 3' end. VCF-style (leftmost placement, unchanged base first): chr20-54157436-GCA-G. GRCh37 (hg19) VCF-style: chr20-52773975-GCA-G.
Other names: c.1237-149_1237-148del (NM_001128915.2); c.1384_1385delTG (NM_000782.4); short protein forms C462fs.
Identifiers: ClinVar variation 1941936 (VCV001941936.6), dbSNP rs1299109745, ClinGen allele CA745613251.

ClinVar aggregate classification (germline): Pathogenic. Review status: criteria provided, multiple submitters, no conflicts (2 of 4 stars). 2 submissions from 2 submitters: Pathogenic (2). Last evaluated 2023-12-21.

Conditions:
Hypercalcemia, infantile, 1 (HCINF1). Identifiers: Orphanet 300547, MedGen CN031131, MONDO:0020739, OMIM 143880.

Submissions (2):

Victorian Clinical Genetics Services, Murdoch Childrens Research Institute
Classification: Pathogenic for Hypercalcemia, infantile, 1. Last evaluated: 2023-12-21. Review status: criteria provided, single submitter. Criteria: ACMG Guidelines, 2015. Collection method: clinical testing. Allele origin: germline. Inheritance: Autosomal recessive inheritance. Affected: yes.
Comment: Based on the classification scheme VCGS_Germline_v1.3.4, this variant is classified as Pathogenic. Following criteria are met: 0102 - Loss of function is a known mechanism of disease in this gene and is associated with hypercalcaemia, infantile 1 (MIM#143880). (I) 0106 - This gene is associated with autosomal recessive disease. (I) 0115 - Variants in this gene are known to have variable expressivity, with intrafamilial variability reported (PMID: 21675912). (I) 0205 - Variant is predicted to result in a truncated protein (premature termination codon is NOT located at least 54 nucleotides upstream of the final exon-exon junction) with less than 1/3 of the protein sequence affected. (SP) 0251 - This variant is heterozygous. (I) 0301 - Variant is absent from gnomAD (both v2 and v3). (SP) 0600 - Variant affects part of an annotated p450 domain, including an axial binding residue (DECIPHER). (I) 0702 - Other protein truncating variants comparable to the one identified in this case have strong previous evidence for pathogenicity. These variants have been reported as pathogenic, and observed in homozygous and compound heterozygous individuals with infantile hypercalcaemia (ClinVar, PMID: 21675912, PMID: 26214117, PMID: 31194111, PMID: 32866123, PMID: 30633617). (SP) 0803 - This variant has limited previous evidence of pathogenicity in an unrelated individual. This variant has been reported once as pathogenic (ClinVar). (SP) 0905 - No published segregation evidence has been identified for this variant. (I) 1007 - No published functional evidence has been identified for this variant. (I) 1207 - Parental origin of the variant is unresolved. (I) Legend: (SP) - Supporting pathogenic, (I) - Information, (SB) - Supporting benign

Labcorp Genetics (formerly Invitae), Labcorp
Classification: Pathogenic. Last evaluated: 2022-09-21. Review status: criteria provided, single submitter. Criteria: Invitae Variant Classification Sherloc (09022015). Collection method: clinical testing. Allele origin: germline.
Comment: For these reasons, this variant has been classified as Pathogenic. This variant has not been reported in the literature in individuals affected with CYP24A1-related conditions. This variant is not present in population databases (gnomAD no frequency). This sequence change creates a premature translational stop signal (p.Cys462Hisfs*29) in the CYP24A1 gene. It is expected to result in an absent or disrupted protein product. Loss-of-function variants in CYP24A1 are known to be pathogenic (PMID: 21675912).

Literature cited by the submitters: PubMed 21675912 (cited by Victorian Clinical Genetics Services, Murdoch Childrens Research Institute and Labcorp Genetics (formerly Invitae), Labcorp); PubMed 26214117 (cited by Victorian Clinical Genetics Services, Murdoch Childrens Research Institute); PubMed 30633617 (cited by Victorian Clinical Genetics Services, Murdoch Childrens Research Institute); PubMed 31194111 (cited by Victorian Clinical Genetics Services, Murdoch Childrens Research Institute); PubMed 32866123 (cited by Victorian Clinical Genetics Services, Murdoch Childrens Research Institute).